The following is an entry in ClinVar:

NM_018100.4(EFHC1):c.1171del (p.Glu391fs)

Gene: EFHC1 (EF-hand domain containing 1; plus strand). Cytogenetic location: 6p12.2.
Variant type: Deletion.
Coding change: c.1171del on transcript NM_018100.4 (MANE Select); coding-DNA position 1171, one base deleted (G; older notation c.1171delG).
Protein change: p.Glu391fs; shifts the reading frame from glutamic acid 391.
Molecular consequence: frameshift variant. On other transcripts: non-coding transcript variant (1).
Genome position (GRCh38, 1-based): chr6:52,469,366, G deleted; the last of 2 consecutive G bases (chr6:52,469,365-52,469,366); deleting either gives the same sequence. VCF-style (leftmost placement, unchanged base first): chr6-52469364-TG-T. GRCh37 (hg19) VCF-style: chr6-52334162-TG-T.
Other names: c.1114del, p.Glu372fs (NM_001172420.2); short protein forms E391fs, E372fs.
Identifiers: ClinVar variation 666108 (VCV000666108.8), dbSNP rs1218368055, ClinGen allele CA567307951.
Genomic context (GRCh38, chr6:52,469,364, plus strand): 5'-CTTACTTCTTGCTTCCTATGTATCTCCAGGAGTTGCCTCCTTATAACGGTTTTGGACTAG[TG>T]GAAGATTCTGCTCAGAATTGTTTTGCTCTCATTCCAAAAGCTCCAAAAAAAGACGTTATT-3'

ClinVar aggregate classification (germline): Uncertain significance (1 of 4 stars; one submission).

Conditions:
Myoclonic epilepsy, juvenile, susceptibility to, 1. Also called: Myoclonic Epilepsy, Juvenile, 1; EJM1. Identifiers: MedGen C1850778, MONDO:0020752, OMIM 254770.
Absence seizure. Also called: Absence epilepsy. Identifiers: Orphanet 1941, MedGen C0014553.

Submission:

Labcorp Genetics (formerly Invitae), Labcorp
Classification: Uncertain significance for Myoclonic epilepsy, juvenile, susceptibility to, 1; Absence seizure. Last evaluated: 2020-10-05. Review status: criteria provided, single submitter. Criteria: Invitae Variant Classification Sherloc (09022015). Collection method: clinical testing. Allele origin: germline.
Comment: This variant is not present in population databases (ExAC no frequency). This sequence change creates a premature translational stop signal (p.Glu391Lysfs*24) in the EFHC1 gene. It is expected to result in an absent or disrupted protein product. This variant has not been reported in the literature in individuals with EFHC1-related disease. The current clinical and genetic evidence is not sufficient to establish whether loss-of-function variants in EFHC1 cause disease. In summary, the available evidence is currently insufficient to determine the role of this variant in disease. Therefore, it has been classified as a Variant of Uncertain Significance.